The following is an entry in ClinVar:

NM_153704.6(TMEM67):c.1913T>C (p.Phe638Ser)

Gene: TMEM67 (transmembrane protein 67; plus strand). Cytogenetic location: 8q22.1.
Variant type: single nucleotide variant.
Coding change: c.1913T>C on transcript NM_153704.6 (MANE Select); coding-DNA position 1913, T replaced by C.
Protein change: p.Phe638Ser; replaces phenylalanine 638 with serine.
Molecular consequence: missense variant. On other transcripts: non-coding transcript variant (1).
Genome position (GRCh38, 1-based): chr8:93,797,186, T>C. VCF-style: chr8-93797186-T-C. GRCh37 (hg19) VCF-style: chr8-94809414-T-C.
Other names: c.1670T>C, p.Phe557Ser (NM_001142301.1); short protein forms F557S, F638S.
Identifiers: ClinVar variation 2042355 (VCV002042355.4), dbSNP rs2130734310, ClinGen allele CA371693298.

ClinVar aggregate classification (germline): Uncertain significance (1 of 4 stars; one submission).

Conditions:
Joubert syndrome. Also called: CEREBELLOPARENCHYMAL DISORDER IV; JOUBERT-BOLTSHAUSER SYNDROME; Familial aplasia of the vermis. Identifiers: Orphanet 475, MedGen C5979921, MONDO:0018772.
Meckel-Gruber syndrome. Also called: DYSENCEPHALIA SPLANCHNOCYSTICA; GRUBER SYNDROME; Dysencephalia splachnocystica. Identifiers: Orphanet 564, MedGen C0265215, MONDO:0018921.

Submission:

Labcorp Genetics (formerly Invitae), Labcorp
Classification: Uncertain significance for Joubert syndrome; Meckel-Gruber syndrome. Last evaluated: 2024-03-11. Review status: criteria provided, single submitter. Criteria: Invitae Variant Classification Sherloc (09022015). Collection method: clinical testing. Allele origin: germline.
Comment: This sequence change replaces phenylalanine, which is neutral and non-polar, with serine, which is neutral and polar, at codon 638 of the TMEM67 protein (p.Phe638Ser). This variant is not present in population databases (gnomAD no frequency). This variant has not been reported in the literature in individuals affected with TMEM67-related conditions. ClinVar contains an entry for this variant (Variation ID: 2042355). Advanced modeling of protein sequence and biophysical properties (such as structural, functional, and spatial information, amino acid conservation, physicochemical variation, residue mobility, and thermodynamic stability) performed at Invitae indicates that this missense variant is expected to disrupt TMEM67 protein function with a positive predictive value of 95%. In summary, the available evidence is currently insufficient to determine the role of this variant in disease. Therefore, it has been classified as a Variant of Uncertain Significance.